The following is an entry in ClinVar:

NM_000284.4(PDHA1):c.921_932dup (p.Val310_Arg311insSerGlnGluVal)

Gene: PDHA1 (pyruvate dehydrogenase E1 subunit alpha 1; plus strand). Cytogenetic location: Xp22.12.
Variant type: Duplication.
Coding change: c.921_932dup on transcript NM_000284.4 (MANE Select); coding-DNA positions 921 to 932, 12 bases duplicated (TCAGGAAGTAAG).
Protein change: p.Val310_Arg311insSerGlnGluVal.
Molecular consequence: inframe insertion.
Genome position (GRCh38, 1-based): chrX:19,358,937-19,358,948, TCAGGAAGTAAG duplicated. VCF-style (leftmost placement, unchanged base first): chrX-19358936-T-TTCAGGAAGTAAG. GRCh37 (hg19) VCF-style: chrX-19377054-T-TTCAGGAAGTAAG.
Other names: c.1035_1046dup, p.Val348_Arg349insSerGlnGluVal (NM_001173454.2); c.942_953dup, p.Val317_Arg318insSerGlnGluVal (NM_001173455.2); c.828_839dup, p.Val279_Arg280insSerGlnGluVal (NM_001173456.2).
Identifiers: ClinVar variation 373051 (VCV000373051.2), dbSNP rs1057518173, ClinGen allele CA16043300.

ClinVar aggregate classification (germline): Pathogenic (1 of 4 stars; one submission).

Submission:

GeneDx
Classification: Pathogenic. Last evaluated: 2016-10-28. Review status: criteria provided, single submitter. Criteria: GeneDx Variant Classification (06012015). Collection method: clinical testing. Allele origin: germline. Affected: yes.
Comment: The c.921_932dup12 pathogenic variant in the PDHA1 gene has not been reported previously as a pathogenic variant nor as a benign variant, to our knowledge. The c.921_932dup12 variant results in a 12 base pair in-frame duplication that is predicted to result in the insertion of four amino acids, denoted as p.Val310_Arg311insSerGlnGluVal, and may result in a protein with an abnormal structure and/or function. As an alternate mechanism, c.921_932dup12 may create cryptic donor site upstream of the canonical donor splice site of intron 10, which could result in abnormal splicing. The c.921_932dup12 variant was not observed in approximately 6500 individuals of European and African American ancestry in the NHLBI Exome Sequencing Project, indicating it is not a common benign variant in these populations. We interpret c.921_932dup12 as a pathogenic variant.